The following is an entry in ClinVar:

ClinVar aggregate classification (germline): Uncertain significance (1 of 4 stars; one submission).

Submission:

Labcorp Genetics (formerly Invitae), Labcorp
Classification: Uncertain significance. Last evaluated: 2022-06-18. Review status: criteria provided, single submitter. Criteria: Invitae Variant Classification Sherloc (09022015). Collection method: clinical testing. Allele origin: germline.
Comment: This sequence change replaces tyrosine, which is neutral and polar, with phenylalanine, which is neutral and non-polar, at codon 326 of the HMX1 protein (p.Tyr326Phe). This variant is not present in population databases (gnomAD no frequency). This variant has not been reported in the literature in individuals affected with HMX1-related conditions. Algorithms developed to predict the effect of missense changes on protein structure and function are either unavailable or do not agree on the potential impact of this missense change (SIFT: "Tolerated"; PolyPhen-2: "Possibly Damaging"; Align-GVGD: "Class C0"). In summary, the available evidence is currently insufficient to determine the role of this variant in disease. Therefore, it has been classified as a Variant of Uncertain Significance.

NM_018942.3(HMX1):c.977A>T (p.Tyr326Phe)

Gene: HMX1 (H6 family homeobox 1; minus strand). Cytogenetic location: 4p16.1.
Variant type: single nucleotide variant.
Coding change: c.977A>T on transcript NM_018942.3 (MANE Select); coding-DNA position 977, A replaced by T.
Protein change: p.Tyr326Phe; replaces tyrosine 326 with phenylalanine.
Molecular consequence: missense variant. On other transcripts: intron variant (1).
Genome position (GRCh38, 1-based): chr4:8,867,763, T>A on the plus strand (A>T on the coding strand, the complement: HMX1 is on the minus strand). VCF-style: chr4-8867763-T-A. GRCh37 (hg19) VCF-style: chr4-8869489-T-A.
Other names: c.394+3458A>T (NM_001306142.2); short protein forms Y326F.
Identifiers: ClinVar variation 2008028 (VCV002008028.1), dbSNP rs2474392109, ClinGen allele CA356277320.